The following is an entry in ClinVar:

NM_000426.4(LAMA2):c.8415G>A (p.Met2805Ile)

Gene: LAMA2 (laminin subunit alpha 2; plus strand). Cytogenetic location: 6q22.33.
Variant type: single nucleotide variant.
Coding change: c.8415G>A on transcript NM_000426.4 (MANE Select); coding-DNA position 8415, G replaced by A.
Protein change: p.Met2805Ile; replaces methionine 2805 with isoleucine.
Molecular consequence: missense variant.
Genome position (GRCh38, 1-based): chr6:129,503,148, G>A. VCF-style: chr6-129503148-G-A. GRCh37 (hg19) VCF-style: chr6-129824293-G-A.
Other names: c.8403G>A, p.Met2801Ile (NM_001079823.2); short protein forms M2801I, M2805I.
Identifiers: ClinVar variation 1520438 (VCV001520438.5), dbSNP rs2114891034, ClinGen allele CA365634080.

ClinVar aggregate classification (germline): Uncertain significance (1 of 4 stars; one submission).

Conditions:
LAMA2-related muscular dystrophy (LAMA2-RD). Also called: Laminin alpha 2-related dystrophy. Identifiers: MedGen C5679788, MONDO:0100228.

Submission:

Labcorp Genetics (formerly Invitae), Labcorp
Classification: Uncertain significance for LAMA2-related muscular dystrophy. Last evaluated: 2021-09-01. Review status: criteria provided, single submitter. Criteria: Invitae Variant Classification Sherloc (09022015). Collection method: clinical testing. Allele origin: germline.
Comment: This sequence change replaces methionine with isoleucine at codon 2805 of the LAMA2 protein (p.Met2805Ile). The methionine residue is moderately conserved and there is a small physicochemical difference between methionine and isoleucine. This variant is not present in population databases (ExAC no frequency). This variant has not been reported in the literature in individuals affected with LAMA2-related conditions. Advanced modeling of protein sequence and biophysical properties (such as structural, functional, and spatial information, amino acid conservation, physicochemical variation, residue mobility, and thermodynamic stability) performed at Invitae indicates that this missense variant is not expected to disrupt LAMA2 protein function. Algorithms developed to predict the effect of sequence changes on RNA splicing suggest that this variant may create or strengthen a splice site. In summary, the available evidence is currently insufficient to determine the role of this variant in disease. Therefore, it has been classified as a Variant of Uncertain Significance.